The following is an entry in ClinVar:

ClinVar aggregate classification (germline): Conflicting classifications of pathogenicity. Review status: criteria provided, conflicting classifications (1 of 4 stars). 5 submissions from 2 submitters: Uncertain significance (4); Likely benign (1). Last evaluated 2023-03-01.

Conditions:
Hypogonadotropic hypogonadism 2 with or without anosmia (HH2). Also called: FGFR1-Related GnRH Deficiency (Kallmann Syndrome 2); HYPOGONADOTROPIC HYPOGONADISM 2 WITHOUT ANOSMIA; HYPOGONADOTROPIC HYPOGONADISM 2 WITH OR WITHOUT ANOSMIA, SUSCEPTIBILITY TO; HYPOGONADOTROPIC HYPOGONADISM 2 WITHOUT ANOSMIA, SUSCEPTIBILITY TO. Identifiers: Orphanet 478, MedGen C1563720, MONDO:0007844, OMIM 147950. Disease mechanism: loss of function.
Craniosynostosis syndrome. Also called: Craniosynostosis. Identifiers: Orphanet 1531, MedGen C0010278, MeSH D003398, MONDO:0015469, HP:0001363.
Osteoglophonic dysplasia (OGD). Also called: Osteoglophonic dwarfism. Identifiers: Orphanet 2645, MedGen C0432283, MONDO:0008150, OMIM 166250.
Trigonocephaly 1 (TRIGNO1). Identifiers: Orphanet 3366, MedGen C0432122, MONDO:0008603, OMIM 190440.

Allele frequency attached by ClinVar (database versions not stated): 1000 Genomes Project 30x 0.00016; TOPMed 0.00077; gnomAD 0.00117 and 0.00124; gnomAD exomes 0.00117.
gnomAD v4.1: 259 of 228,672 alleles (0.11%); highest among the groups gnomAD compares: Non-Finnish European, 0.17%; no homozygotes.

Submissions (5):

CeGaT Center for Human Genetics Tuebingen
Classification: Likely benign. Last evaluated: 2023-03-01. Review status: criteria provided, single submitter. Criteria: CeGaT Center For Human Genetics Tuebingen Variant Classification Criteria Version 2. Collection method: clinical testing. Allele origin: germline. Affected: yes. Observed: 3 variant alleles.
Comment: FGFR1: BS1

Illumina Laboratory Services, Illumina
Classification: Uncertain significance for Trigonocephaly 1. Last evaluated: 2018-01-12. Review status: criteria provided, single submitter. Criteria: ICSL Variant Classification Criteria 13 December 2019. Collection method: clinical testing. Allele origin: germline.

Illumina Laboratory Services, Illumina
Classification: Uncertain significance for Osteoglophonic dysplasia. Last evaluated: 2018-01-12. Review status: criteria provided, single submitter. Criteria: ICSL Variant Classification Criteria 13 December 2019. Collection method: clinical testing. Allele origin: germline.

Illumina Laboratory Services, Illumina
Classification: Uncertain significance for Craniosynostosis. Last evaluated: 2018-01-12. Review status: criteria provided, single submitter. Criteria: ICSL Variant Classification Criteria 13 December 2019. Collection method: clinical testing. Allele origin: germline.

Illumina Laboratory Services, Illumina
Classification: Uncertain significance for Hypogonadotropic hypogonadism 2 with or without anosmia. Last evaluated: 2018-01-12. Review status: criteria provided, single submitter. Criteria: ICSL Variant Classification Criteria 13 December 2019. Collection method: clinical testing. Allele origin: germline.

NM_023110.3(FGFR1):c.-578A>C

Gene: FGFR1 (fibroblast growth factor receptor 1; minus strand). Cytogenetic location: 8p11.23.
Variant type: single nucleotide variant.
Coding change: c.-578A>C on transcript NM_023110.3 (MANE Select); 578 bases upstream of the start codon, A replaced by C.
Molecular consequence: 5 prime UTR variant.
Genome position (GRCh38, 1-based): chr8:38,468,470, T>G on the plus strand (A>C on the coding strand, the complement: FGFR1 is on the minus strand). VCF-style: chr8-38468470-T-G. GRCh37 (hg19) VCF-style: chr8-38325988-T-G.
Other names: c.-578A>C (NM_001174063.2, NM_001354367.2, NM_001354368.2 and 4 more transcripts); c.-670A>C (NM_001174064.2).
Identifiers: ClinVar variation 908431 (VCV000908431.28), dbSNP rs558180061, ClinGen allele CA175775869.